The following is an entry in ClinVar:

NM_014236.4(GNPAT):c.605G>A (p.Arg202Gln)

Gene: GNPAT (glyceronephosphate O-acyltransferase; plus strand). Cytogenetic location: 1q42.2.
Variant type: single nucleotide variant.
Coding change: c.605G>A on transcript NM_014236.4 (MANE Select); coding-DNA position 605, G replaced by A.
Protein change: p.Arg202Gln; replaces arginine 202 with glutamine.
Molecular consequence: missense variant.
Genome position (GRCh38, 1-based): chr1:231,265,329, G>A. VCF-style: chr1-231265329-G-A. GRCh37 (hg19) VCF-style: chr1-231401075-G-A.
Other names: c.422G>A, p.Arg141Gln (NM_001316350.2); short protein forms R202Q, R141Q.
Identifiers: ClinVar variation 391726 (VCV000391726.3), dbSNP rs971842358, ClinGen allele CA16603597.
Genomic context (GRCh38, chr1:231,265,329, plus strand): 5'-TAAATATTATCCCCTCTTTTTTAGACTTCCTGGGAATGAAAATGGTTGGTGAGCTGCTAC[G>A]AATGTCGGGTGCCTTTTTCATGCGGCGTACCTTTGGTGGCAATAAACTCTACTGGGCTGT-3'
Protein context (NP_055051.1, residues 192-212): LGMKMVGELL[Arg202Gln]MSGAFFMRRT

ClinVar aggregate classification (germline): Uncertain significance. Review status: criteria provided, multiple submitters, no conflicts (2 of 4 stars). 2 submissions from 2 submitters: Uncertain significance (2). Last evaluated 2025-07-08.

Conditions:
Inborn genetic diseases. Identifiers: MedGen C0950123, MeSH D030342.

Allele frequency attached by ClinVar (database versions not stated): gnomAD exomes below 0.00001; TOPMed below 0.00001.

Submissions (2):

Ambry Genetics
Classification: Uncertain significance for Inborn genetic diseases. Last evaluated: 2025-07-08. Review status: criteria provided, single submitter. Criteria: Ambry Variant Classification Scheme 2023. Collection method: clinical testing. Allele origin: germline.

GeneDx
Classification: Uncertain significance. Last evaluated: 2016-12-24. Review status: criteria provided, single submitter. Criteria: GeneDx Variant Classification (06012015). Collection method: clinical testing. Allele origin: germline. Affected: yes.
Comment: The R202Q variant in the GNPAT gene has not been reported previously as a pathogenic variant, nor as a benign variant, to our knowledge. The R202Q variant was not observed in approximately 6500 individuals of European and African American ancestry in the NHLBI Exome Sequencing Project, indicating it is not a common benign variant in these populations. The R202Q variant is a semi-conservative amino acid substitution, which may impact secondary protein structure as these residues differ in some properties. This substitution occurs at a position that is conserved across species. In silico analysis predicts this variant is probably damaging to the protein structure/function. We interpret R202Q as a variant of uncertain significance.